The following is an entry in ClinVar:

NM_018062.4(FANCL):c.1065A>G (p.Ile355Met)

Gene: FANCL (FA complementation group L; minus strand). Cytogenetic location: 2p16.1.
Variant type: single nucleotide variant.
Coding change: c.1065A>G on transcript NM_018062.4 (MANE Select); coding-DNA position 1065, A replaced by G.
Protein change: p.Ile355Met; replaces isoleucine 355 with methionine.
Molecular consequence: missense variant.
Genome position (GRCh38, 1-based): chr2:58,160,135, T>C on the plus strand (A>G on the coding strand, the complement: FANCL is on the minus strand). VCF-style: chr2-58160135-T-C. GRCh37 (hg19) VCF-style: chr2-58387270-T-C.
Other names: c.1080A>G, p.Ile360Met (NM_001114636.2); c.1110A>G, p.Ile370Met (NM_001374615.1); c.1125A>G, p.Ile375Met (NM_001410792.1); short protein forms I355M, I360M, I370M, I375M.
Identifiers: ClinVar variation 1306615 (VCV001306615.7), dbSNP rs147860433, ClinGen allele CA1670318.

ClinVar aggregate classification (germline): Uncertain significance. Review status: criteria provided, multiple submitters, no conflicts (2 of 4 stars). 2 submissions from 2 submitters: Uncertain significance (2). Last evaluated 2026-07-27.

Conditions:
Fanconi anemia (FA). Also called: Fanconi's anemia. Identifiers: Orphanet 84, MedGen C0015625, MeSH D005199, MONDO:0019391.

Allele frequency attached by ClinVar (database versions not stated): TOPMed below 0.00001; gnomAD 0.00001; ExAC 0.00002; ESP Exome Variant Server 0.00008.
gnomAD v4.1: 8 of 1,612,780 alleles (0.0005%); highest among the groups gnomAD compares: Admixed American, 0.0083%; 1 homozygote.

Submissions (2):

GeneDx
Classification: Uncertain significance. Last evaluated: 2026-07-27. Review status: criteria provided, single submitter. Criteria: GeneDx Variant Classification Process June 2021. Collection method: clinical testing. Allele origin: germline.
Comment: In silico analysis suggests that this missense variant does not alter protein structure/function; Has not been previously published as pathogenic or benign to our knowledge

Labcorp Genetics (formerly Invitae), Labcorp
Classification: Uncertain significance for Fanconi anemia. Last evaluated: 2024-11-05. Review status: criteria provided, single submitter. Criteria: Invitae Variant Classification Sherloc (09022015). Collection method: clinical testing. Allele origin: germline.
Comment: This sequence change replaces isoleucine, which is neutral and non-polar, with methionine, which is neutral and non-polar, at codon 355 of the FANCL protein (p.Ile355Met). This variant is present in population databases (rs147860433, gnomAD 0.01%). This variant has not been reported in the literature in individuals affected with FANCL-related conditions. ClinVar contains an entry for this variant (Variation ID: 1306615). Invitae Evidence Modeling of protein sequence and biophysical properties (such as structural, functional, and spatial information, amino acid conservation, physicochemical variation, residue mobility, and thermodynamic stability) indicates that this missense variant is not expected to disrupt FANCL protein function with a negative predictive value of 80%. In summary, the available evidence is currently insufficient to determine the role of this variant in disease. Therefore, it has been classified as a Variant of Uncertain Significance.